The following is an entry in ClinVar:

NM_181552.4(CUX1):c.1361C>T (p.Ala454Val)

Gene: CUX1 (cut like homeobox 1; plus strand). Cytogenetic location: 7q22.1.
Variant type: single nucleotide variant.
Coding change: c.1361C>T on transcript NM_181552.4 (MANE Select); coding-DNA position 1361, C replaced by T.
Protein change: p.Ala454Val; replaces alanine 454 with valine.
Molecular consequence: missense variant. On other transcripts: intron variant (5).
Genome position (GRCh38, 1-based): chr7:102,196,772, C>T. VCF-style: chr7-102196772-C-T. GRCh37 (hg19) VCF-style: chr7-101840052-C-T.
Other names: c.1394C>T, p.Ala465Val (NM_001202543.2); c.1255+1169C>T (NM_001913.5); c.1249+1169C>T (NM_181500.4); c.1117+1169C>T (NM_001202545.3); c.1207+1169C>T (NM_001202544.3); c.1138+1169C>T (NM_001202546.3); short protein forms A454V, A465V.
Identifiers: ClinVar variation 1686612 (VCV001686612.3), dbSNP rs1212077259, ClinGen allele CA368673110.

ClinVar aggregate classification (germline): Uncertain significance. Review status: criteria provided, multiple submitters, no conflicts (2 of 4 stars). 2 submissions from 2 submitters: Uncertain significance (2). Last evaluated 2022-05-04.

Allele frequency attached by ClinVar (database versions not stated): gnomAD exomes below 0.00001; gnomAD 0.00001.
gnomAD v4.1: 4 of 1,614,040 alleles (0.00025%); highest among the groups gnomAD compares: East Asian, 0.0022%; no homozygotes.

Submissions (2):

Mendelics
Classification: Uncertain significance. Last evaluated: 2022-05-04. Review status: criteria provided, single submitter. Criteria: Mendelics Assertion Criteria 2019. Collection method: clinical testing. Allele origin: germline.

Laboratorio de Genetica e Diagnostico Molecular, Hospital Israelita Albert Einstein
Classification: Uncertain significance. Last evaluated: 2021-03-12. Review status: criteria provided, single submitter. Criteria: ACMG Guidelines, 2015. Collection method: clinical testing. Allele origin: germline. Affected: yes.
Comment: ACMG classification criteria: PM2, BP4